The following is an entry in ClinVar:

ClinVar aggregate classification (germline): Likely benign (1 of 4 stars; one submission).

Allele frequency attached by ClinVar (database versions not stated): gnomAD exomes 0.00646; ExAC 0.00922; 1000 Genomes Project 30x 0.01093.

Submission:

CeGaT Center for Human Genetics Tuebingen
Classification: Likely benign. Last evaluated: 2026-07-01. Review status: criteria provided, single submitter. Criteria: CeGaT Center For Human Genetics Tuebingen Variant Classification Criteria Version 2. Collection method: clinical testing. Allele origin: germline. Affected: yes. Observed: 3 variant alleles.
Comment: NBPF10: BP4, BP7

NM_001302371.3(NBPF10):c.11301C>T (p.Phe3767=)

Gene: NBPF10 (NBPF member 10; minus strand). Cytogenetic location: 1q21.1.
Variant type: single nucleotide variant.
Coding change: c.11301C>T on transcript NM_001302371.3 (MANE Select); coding-DNA position 11301, C replaced by T.
Protein change: p.Phe3767=; no amino-acid change (phenylalanine 3767 retained).
Molecular consequence: synonymous variant.
Genome position (GRCh38, 1-based): chr1:146,066,405, G>A on the plus strand (C>T on the coding strand, the complement: NBPF10 is on the minus strand). VCF-style: chr1-146066405-G-A. GRCh37 (hg19) VCF-style: chr1-145368597-C-T.
Other names: c.10794C>T, p.Phe3598= (NM_001039703.6).
Identifiers: ClinVar variation 2639107 (VCV002639107.24), dbSNP rs782343714, ClinGen allele CA1053555.